The following is an entry in ClinVar:

NM_001080449.3(DNA2):c.74+215G>C

Gene: DNA2 (DNA replication helicase/nuclease 2; minus strand). Cytogenetic location: 10q21.3.
Variant type: single nucleotide variant.
Coding change: c.74+215G>C on transcript NM_001080449.3 (MANE Select); 215 bases into the intron after coding-DNA position 74, G replaced by C.
Molecular consequence: intron variant.
Genome position (GRCh38, 1-based): chr10:68,471,576, C>G on the plus strand (G>C on the coding strand, the complement: DNA2 is on the minus strand). VCF-style: chr10-68471576-C-G. GRCh37 (hg19) VCF-style: chr10-70231333-C-G.
Identifiers: ClinVar variation 669863 (VCV000669863.1), dbSNP rs2281699, ClinGen allele CA13223110.

ClinVar aggregate classification (germline): Benign (1 of 4 stars; one submission).

Allele frequency attached by ClinVar (database versions not stated): gnomAD 0.29121 and 0.29444; TOPMed 0.30441; 1000 Genomes Project 0.36661; 1000 Genomes Project 30x 0.36821.
gnomAD v4.1: 44,673 of 151,916 alleles (29%); highest among the groups gnomAD compares: African/African-American, 42%; 7,231 homozygotes.

Submission:

GeneDx
Classification: Benign. Last evaluated: 2018-06-14. Review status: criteria provided, single submitter. Criteria: GeneDx Variant Classification (06012015). Collection method: clinical testing. Allele origin: germline. Affected: yes.
Comment: This variant is considered likely benign or benign based on one or more of the following criteria: it is a conservative change, it occurs at a poorly conserved position in the protein, it is predicted to be benign by multiple in silico algorithms, and/or has population frequency not consistent with disease.